The following is an entry in ClinVar:

NM_032444.4(SLX4):c.1415T>C (p.Leu472Ser)

Gene: SLX4 (SLX4 structure-specific endonuclease subunit; minus strand). Cytogenetic location: 16p13.3.
Variant type: single nucleotide variant.
Coding change: c.1415T>C on transcript NM_032444.4 (MANE Select); coding-DNA position 1415, T replaced by C.
Protein change: p.Leu472Ser; replaces leucine 472 with serine.
Molecular consequence: missense variant.
Genome position (GRCh38, 1-based): chr16:3,597,647, A>G on the plus strand (T>C on the coding strand, the complement: SLX4 is on the minus strand). VCF-style: chr16-3597647-A-G. GRCh37 (hg19) VCF-style: chr16-3647648-A-G.
Other names: c.1415T>C (LRG_503t1); short protein forms L472S.
Identifiers: ClinVar variation 319177 (VCV000319177.12), dbSNP rs776189589, ClinGen allele CA7866519.

ClinVar aggregate classification (germline): Uncertain significance. Review status: criteria provided, multiple submitters, no conflicts (2 of 4 stars). 4 submissions from 4 submitters: Uncertain significance (4). Last evaluated 2024-09-23.

Conditions:
Fanconi anemia complementation group P. Also called: SLX4-Related Fanconi Anemia. Identifiers: Orphanet 84, MedGen C3469542, MONDO:0013499, OMIM 613951.
Fanconi anemia (FA). Also called: Fanconi's anemia. Identifiers: Orphanet 84, MedGen C0015625, MeSH D005199, MONDO:0019391.

Allele frequency attached by ClinVar (database versions not stated): ExAC 0.00004; gnomAD 0.00005 and 0.00006; gnomAD exomes 0.00005 and 0.00009; TOPMed 0.00005.
gnomAD v4.1: 139 of 1,613,944 alleles (0.0086%); highest among the groups gnomAD compares: Non-Finnish European, 0.011%; no homozygotes.

Submissions (4):

Labcorp Genetics (formerly Invitae), Labcorp
Classification: Uncertain significance for Fanconi anemia. Last evaluated: 2024-09-23. Review status: criteria provided, single submitter. Criteria: Invitae Variant Classification Sherloc (09022015). Collection method: clinical testing. Allele origin: germline.
Comment: This sequence change replaces leucine, which is neutral and non-polar, with serine, which is neutral and polar, at codon 472 of the SLX4 protein (p.Leu472Ser). This variant is present in population databases (rs776189589, gnomAD 0.01%). This variant has not been reported in the literature in individuals affected with SLX4-related conditions. ClinVar contains an entry for this variant (Variation ID: 319177). An algorithm developed to predict the effect of missense changes on protein structure and function (PolyPhen-2) suggests that this variant is likely to be disruptive. In summary, the available evidence is currently insufficient to determine the role of this variant in disease. Therefore, it has been classified as a Variant of Uncertain Significance.

Sema4
Classification: Uncertain significance for Fanconi anemia. Last evaluated: 2022-03-17. Review status: criteria provided, single submitter. Criteria: Sema4 Curation Guidelines. Collection method: curation. Allele origin: germline.
Comment: The SLX4 c.1415T>C (p.L472S) variant has been reported in at least three individuals with ovarian cancer (PMID: 32546565). It was observed in 14/128850 chromosomes of the Non-Finnish European subpopulation, with no homozygotes, in the large and broad cohorts of the Genome Aggregation Database (PMID: 32461654). The variant has been reported in ClinVar (Variation ID 319177). In silico tools suggest the impact of the variant on protein function is inconclusive, though these predictions have not been confirmed by functional studies. The evidence is insufficient to meet ACMG/AMP criteria for classifying the variant as benign or pathogenic. Thus, the clinical significance of this variant is currently uncertain.

Fulgent Genetics
Classification: Uncertain significance for Fanconi anemia complementation group P. Last evaluated: 2021-10-05. Review status: criteria provided, single submitter. Criteria: ACMG Guidelines, 2015. Collection method: clinical testing. Allele origin: unknown.

Illumina Laboratory Services, Illumina
Classification: Uncertain significance for Fanconi anemia complementation group P. Last evaluated: 2018-01-12. Review status: criteria provided, single submitter. Criteria: ICSL Variant Classification Criteria 13 December 2019. Collection method: clinical testing. Allele origin: germline.

Literature cited by the submitters: PubMed 32546565 (cited by Sema4).